The following is an entry in ClinVar:

ClinVar aggregate classification (germline): Conflicting classifications of pathogenicity. Review status: criteria provided, conflicting classifications (1 of 4 stars). 3 submissions from 3 submitters: Uncertain significance (2); Likely benign (1). Last evaluated 2026-09-04.

Conditions:
Cardiovascular phenotype. Identifiers: MedGen CN230736.
ZNF469-related disorder. Also called: ZNF469-related condition.

Allele frequency attached by ClinVar (database versions not stated): gnomAD exomes 0.00001; TOPMed 0.00002; gnomAD 0.00003; 1000 Genomes Project 30x 0.00031.
gnomAD v4.1: 35 of 1,549,136 alleles (0.0023%); highest among the groups gnomAD compares: East Asian, 0.054%; no homozygotes.

Submissions (3):

PreventionGenetics, part of Exact Sciences
Classification: Uncertain significance for ZNF469-related condition. Last evaluated: 2026-09-04. Review status: criteria provided, single submitter. Criteria: ACMG Guidelines, 2015. Collection method: clinical testing. Allele origin: germline.
Comment: The ZNF469 c.9691G>A variant is predicted to result in the amino acid substitution p.Glu3231Lys. To our knowledge, this variant has not been reported in the literature. This variant is reported in 0.10% of alleles in individuals of East Asian descent in gnomAD. Although we suspect that this variant may be benign, at this time, the clinical significance of this variant is uncertain due to the absence of conclusive functional and genetic evidence.

Labcorp Genetics (formerly Invitae), Labcorp
Classification: Uncertain significance. Last evaluated: 2025-01-01. Review status: criteria provided, single submitter. Criteria: Invitae Variant Classification Sherloc (09022015). Collection method: clinical testing. Allele origin: germline.
Comment: This sequence change replaces glutamic acid, which is acidic and polar, with lysine, which is basic and polar, at codon 3231 of the ZNF469 protein (p.Glu3231Lys). This variant is present in population databases (no rsID available, gnomAD 0.1%). This variant has not been reported in the literature in individuals affected with ZNF469-related conditions. ClinVar contains an entry for this variant (Variation ID: 1767806). An algorithm developed to predict the effect of missense changes on protein structure and function (PolyPhen-2) suggests that this variant¬†is likely to be tolerated. In summary, the available evidence is currently insufficient to determine the role of this variant in disease. Therefore, it has been classified as a Variant of Uncertain Significance.

Ambry Genetics
Classification: Likely benign for Cardiovascular phenotype. Last evaluated: 2023-05-17. Review status: criteria provided, single submitter. Criteria: Ambry Variant Classification Scheme 2023. Collection method: clinical testing. Allele origin: germline.

NM_001367624.2(ZNF469):c.9775G>A (p.Glu3259Lys)

Gene: ZNF469 (zinc finger protein 469; plus strand). Cytogenetic location: 16q24.2.
Variant type: single nucleotide variant.
Coding change: c.9775G>A on transcript NM_001367624.2 (MANE Select); coding-DNA position 9775, G replaced by A.
Protein change: p.Glu3259Lys; replaces glutamic acid 3259 with lysine.
Molecular consequence: missense variant.
Genome position (GRCh38, 1-based): chr16:88,437,245, G>A. VCF-style: chr16-88437245-G-A. GRCh37 (hg19) VCF-style: chr16-88503653-G-A.
Other names: NM_001127464.1:c.9691G>A; NM_001127464.2:c.9691G>A; short protein forms E3259K.
Identifiers: ClinVar variation 1767806 (VCV001767806.6), dbSNP rs1416038987, ClinGen allele CA397124687.